The following is an entry in ClinVar:

NC_000015.10:g.(?_48410970)_(48537828_?)del

Genes: FBN1 (fibrillin 1; minus strand), LOC126862125 (CDK7 strongly-dependent group 2 enhancer GRCh37_chr15:48821930-48823129; plus strand), LOC113939944 (Sharpr-MPRA regulatory region 9539; plus strand), LOC125078076 (Sharpr-MPRA regulatory region 3576; plus strand), LOC126862124 (CDK7 strongly-dependent group 2 enhancer GRCh37_chr15:48764566-48765765; plus strand). Cytogenetic location: 15q21.1.
Variant type: Deletion.
Identifiers: ClinVar variation 457151 (VCV000457151.2).

ClinVar aggregate classification (germline): Pathogenic (1 of 4 stars; one submission).

Conditions:
Marfan syndrome (MFS). Also called: MARFAN SYNDROME, TYPE I; FBN1-Related Marfan Syndrome; Marfan syndrome type 1; Marfan's syndrome; Marfan syndrome, classic. Identifiers: Orphanet 284963, Orphanet 558, MedGen C0024796, MONDO:0007947, OMIM 154700.
Familial thoracic aortic aneurysm and aortic dissection (TAAD). Also called: Thoracic aortic aneurysms and dissections. Identifiers: Orphanet 91387, MedGen C4707243, MONDO:0019625.

Submission:

Labcorp Genetics (formerly Invitae), Labcorp
Classification: Pathogenic for Marfan syndrome; Familial thoracic aortic aneurysm and aortic dissection. Last evaluated: 2018-10-04. Review status: criteria provided, single submitter. Criteria: Invitae Variant Classification Sherloc (09022015). Collection method: clinical testing. Allele origin: germline.
Comment: This variant is a gross deletion of the genomic region encompassing exons 7-66 of the FBN1 gene. The 5' boundary is likely confined to intron 4. The 3' end of this event is unknown as it extends through the termination codon beyond the assayed region for this gene and may encompass additional genes. While this deletion is not anticipated to result in nonsense mediated decay, it is expected to create a truncated protein product or disrupt mRNA translation. This variant has not been reported in the literature in individuals with FBN1-related disease. This variant affects cysteine residues in the EGF-like, TGFBP or hybrid motif domains in FBN1. Cysteine residues are believed to be involved in intramolecular disulfide bridges and have been shown to be important for FBN1 protein structure (PMID: 16905551, 19349279). In addition, missense substitutions affecting cysteine residues within these domains are significantly overrepresented among patients with Marfan syndrome (PMID: 16571647, 17701892). For these reasons, this variant has been classified as Pathogenic.

Literature cited by the submitters: PubMed 17701892; PubMed 16905551; PubMed 16571647; PubMed 19349279.